The following is an entry in ClinVar:

ClinVar aggregate classification (germline): Pathogenic. Review status: criteria provided, multiple submitters, no conflicts (2 of 4 stars). 2 submissions from 2 submitters: Pathogenic (2). Last evaluated 2023-12-11.

Conditions:
Familial adenomatous polyposis 1 (FAP1). Also called: POLYPOSIS, ADENOMATOUS INTESTINAL; FAMILIAL ADENOMATOUS POLYPOSIS 1, ATTENUATED. Identifiers: MedGen C2713442, MONDO:0021056, OMIM 175100. Disease mechanism: loss of function.

Submissions (2):

GeneDx
Classification: Pathogenic. Last evaluated: 2023-12-11. Review status: criteria provided, single submitter. Criteria: GeneDx Variant Classification Process June 2021. Collection method: clinical testing. Allele origin: germline. Affected: yes.
Comment: Frameshift variant predicted to result in protein truncation or nonsense mediated decay in a gene for which loss of function is a known mechanism of disease; Not observed at significant frequency in large population cohorts (gnomAD); This variant is associated with the following publications: (PMID: 20924072)

Myriad Genetics, Inc.
Classification: Pathogenic for Familial adenomatous polyposis 1. Last evaluated: 2023-05-02. Review status: criteria provided, single submitter. Criteria: Myriad Autosomal Dominant, Autosomal Recessive and X-Linked Classification Criteria (2023). Collection method: clinical testing. Allele origin: unknown.
Comment: This variant is considered pathogenic. This variant creates a frameshift predicted to result in premature protein truncation.

NM_000038.6(APC):c.1622dup (p.Gln542fs)

Gene: APC (APC regulator of Wnt signaling pathway; plus strand). Cytogenetic location: 5q22.2.
Variant type: Duplication.
Coding change: c.1622dup on transcript NM_000038.6 (MANE Select); coding-DNA position 1622, one base duplicated (A; older notation c.1622dupA).
Protein change: p.Gln542fs; shifts the reading frame from glutamine 542.
Molecular consequence: frameshift variant.
Genome position (GRCh38, 1-based): chr5:112,828,002, A duplicated. VCF-style (leftmost placement, unchanged base first): chr5-112828001-C-CA. GRCh37 (hg19) VCF-style: chr5-112163698-C-CA.
Other names: c.1622dup, p.Gln542fs (NM_001127510.3, NM_001354895.2, NM_001407450.1); c.1568dup, p.Gln524fs (NM_001127511.3); c.1676dup, p.Gln560fs (NM_001354896.2, NM_001407447.1, NM_001407448.1 and 1 more transcripts); c.1652dup, p.Gln552fs (NM_001354897.2); c.1547dup, p.Gln517fs (NM_001354898.2); c.1538dup, p.Gln514fs (NM_001354899.2); c.1499dup, p.Gln501fs (NM_001354900.2); c.1445dup, p.Gln483fs (NM_001354901.2, NM_001407453.1); and 12 more; short protein forms Q158fs, Q259fs, Q382fs, Q413fs, Q416fs, Q441fs, Q451fs, Q459fs.
Identifiers: ClinVar variation 2583681 (VCV002583681.3), dbSNP rs2533222699, ClinGen allele CA445756887.